The following is an entry in ClinVar:

ClinVar aggregate classification (germline): Benign (0 of 4 stars; one submission).

Conditions:
SLC25A5-related disorder. Also called: SLC25A5-related condition.

Allele frequency attached by ClinVar (database versions not stated): gnomAD exomes 0.01217; 1000 Genomes Project 30x 0.34589.

Submission:

PreventionGenetics, part of Exact Sciences
Classification: Benign for SLC25A5-related condition. Last evaluated: 2019-10-17. Review status: no assertion criteria provided. Collection method: clinical testing. Allele origin: germline.
Comment: This variant is classified as benign based on ACMG/AMP sequence variant interpretation guidelines (Richards et al. 2015 PMID: 25741868, with internal and published modifications).

NM_001152.5(SLC25A5):c.893C>T (p.Thr298Ile)

Gene: SLC25A5 (solute carrier family 25 member 5; plus strand). Cytogenetic location: Xq24.
Variant type: single nucleotide variant.
Coding change: c.893C>T on transcript NM_001152.5 (MANE Select); coding-DNA position 893, C replaced by T.
Protein change: p.Thr298Ile; replaces threonine 298 with isoleucine.
Molecular consequence: missense variant.
Genome position (GRCh38, 1-based): chrX:119,471,054, C>T. VCF-style: chrX-119471054-C-T. GRCh37 (hg19) VCF-style: chrX-118605017-C-T.
Other names: short protein forms T298I.
Identifiers: ClinVar variation 3059755 (VCV003059755.2), dbSNP rs77294853, ClinGen allele CA249404.